The following is an entry in ClinVar:

ClinVar aggregate classification (germline): Pathogenic (1 of 4 stars; one submission).

Conditions:
Hereditary cancer-predisposing syndrome. Also called: Neoplastic Syndromes, Hereditary; Tumor predisposition; Hereditary Cancer Syndrome; Hereditary neoplastic syndrome. Identifiers: Orphanet 140162, MedGen C0027672, MeSH D009386, MONDO:0015356.

Submission:

Ambry Genetics
Classification: Pathogenic for Hereditary cancer-predisposing syndrome. Last evaluated: 2025-09-24. Review status: criteria provided, single submitter. Criteria: Ambry Variant Classification Scheme 2023. Collection method: clinical testing. Allele origin: germline.
Comment: The p.L338R pathogenic mutation (also known as c.1013T>G), located in coding exon 6 of the MEN1 gene, results from a T to G substitution at nucleotide position 1013. The leucine at codon 338 is replaced by arginine, an amino acid with dissimilar properties. This variant was reported in individuals with features consistent with multiple endocrine neoplasia type 1 (Koyama N et al. Intern Med, 2022 Apr;61:1183-1188; Ambry internal data). Other variant(s) at the same codon, p.L338P (c.1013T>C), have been identified in individuals with features consistent with multiple endocrine neoplasia type 1 (Ambry internal data). This amino acid position is well conserved in available vertebrate species. In addition, this alteration is predicted to be deleterious by in silico analysis. Based on the supporting evidence, this variant is interpreted as a disease-causing mutation.

Literature cited by the submitters: PubMed 34645755.

NM_001370259.2(MEN1):c.1013T>G (p.Leu338Arg)

Gene: MEN1 (menin 1; minus strand). Cytogenetic location: 11q13.1.
Variant type: single nucleotide variant.
Coding change: c.1013T>G on transcript NM_001370259.2 (MANE Select); coding-DNA position 1013, T replaced by G.
Protein change: p.Leu338Arg; replaces leucine 338 with arginine.
Molecular consequence: missense variant. On other transcripts: non-coding transcript variant (4).
Genome position (GRCh38, 1-based): chr11:64,806,268, A>C on the plus strand (T>G on the coding strand, the complement: MEN1 is on the minus strand). VCF-style: chr11-64806268-A-C. GRCh37 (hg19) VCF-style: chr11-64573740-A-C.
Other names: c.1028T>G, p.Leu343Arg (NM_000244.4, NM_001407145.1, NM_001407150.1 and 5 more transcripts); c.1013T>G, p.Leu338Arg (NM_001370251.2, NM_001370260.2, NM_001370261.2 and 7 more transcripts); c.908T>G, p.Leu303Arg (NM_001370262.2, NM_001370263.2, NM_001407148.1 and 2 more transcripts); short protein forms L303R, L338R, L343R.
Identifiers: ClinVar variation 4646270 (VCV004646270.1).